The following is an entry in ClinVar:

NM_006440.5(TXNRD2):c.375-8C>T

Gene: TXNRD2 (thioredoxin reductase 2; minus strand). Cytogenetic location: 22q11.21.
Variant type: single nucleotide variant.
Coding change: c.375-8C>T on transcript NM_006440.5 (MANE Select); 8 bases into the intron before coding-DNA position 375, C replaced by T.
Molecular consequence: intron variant.
Genome position (GRCh38, 1-based): chr22:19,918,225, G>A on the plus strand (C>T on the coding strand, the complement: TXNRD2 is on the minus strand). VCF-style: chr22-19918225-G-A. GRCh37 (hg19) VCF-style: chr22-19905748-G-A.
Other names: c.372-8C>T (NM_001352300.2); c.87-8C>T (NM_001352302.2); c.285-8C>T (NM_001352301.2); c.375-8C>T (NM_001282512.3); c.279-8C>T (NM_001352303.2).
Identifiers: ClinVar variation 507782 (VCV000507782.22), dbSNP rs180876844, ClinGen allele CA10104227.

ClinVar aggregate classification (germline): Likely benign. Review status: criteria provided, multiple submitters, no conflicts (2 of 4 stars). 7 submissions from 7 submitters: Likely benign (5). 2 of the submissions do not count toward it. Last evaluated 2026-07-01.

Conditions:
Primary dilated cardiomyopathy (DCM). Also called: Dilated Cardiomyopathy. Identifiers: Orphanet 217604, MedGen C0007193, MeSH D002311, MONDO:0005021, HP:0001644. Inheritance: Various modes of inheritance.

Allele frequency attached by ClinVar (database versions not stated): 1000 Genomes Project 0.00040; gnomAD 0.00041 and 0.00042; gnomAD exomes 0.00043 and 0.00048; TOPMed 0.00043; 1000 Genomes Project 30x 0.00047; ExAC 0.00058; ESP Exome Variant Server 0.00066.

Submissions (7):

CeGaT Center for Human Genetics Tuebingen
Classification: Likely benign. Last evaluated: 2026-07-01. Review status: criteria provided, single submitter. Criteria: CeGaT Center For Human Genetics Tuebingen Variant Classification Criteria Version 2. Collection method: clinical testing. Allele origin: germline. Affected: yes. Observed: 1 variant allele.
Comment: TXNRD2: BP4

Labcorp Genetics (formerly Invitae), Labcorp
Classification: Likely benign for Primary dilated cardiomyopathy. Last evaluated: 2026-01-06. Review status: criteria provided, single submitter. Criteria: Invitae Variant Classification Sherloc (09022015). Collection method: clinical testing. Allele origin: germline.

Genomic Medicine Center of Excellence, King Faisal Specialist Hospital and Research Centre
Classification: Likely benign. Last evaluated: 2025-08-18. Review status: criteria provided, single submitter. Criteria: ACMG Guidelines, 2015. Collection method: clinical testing. Allele origin: germline.

GeneDx
Classification: Likely benign. Last evaluated: 2020-01-06. Review status: criteria provided, single submitter. Criteria: GeneDx Variant Classification Process June 2021. Collection method: clinical testing. Allele origin: germline. Affected: yes.
Comment: This variant is associated with the following publications: (PMID: 26656175)

Breakthrough Genomics
Classification: Likely benign. Review status: criteria provided, single submitter. Criteria: ACMG Guidelines, 2015. Collection method: not provided. Allele origin: germline. Inheritance: Autosomal recessive inheritance. Affected: yes.

Clinical Genetics DNA and cytogenetics Diagnostics Lab, Erasmus MC, Erasmus Medical Center
Classification: Likely benign. Review status: no assertion criteria provided. Collection method: clinical testing. Allele origin: germline. Affected: yes. Study: VKGL Data-share Consensus. Not counted in ClinVar's aggregate classification.

Diagnostic Laboratory, Department of Genetics, University Medical Center Groningen
Classification: Likely benign. Review status: no assertion criteria provided. Collection method: clinical testing. Allele origin: germline. Affected: yes. Study: VKGL Data-share Consensus. Not counted in ClinVar's aggregate classification.